The following is an entry in ClinVar:

NM_000785.4(CYP27B1):c.590-1G>A

Gene: CYP27B1 (cytochrome P450 family 27 subfamily B member 1; minus strand). Cytogenetic location: 12q14.1.
Variant type: single nucleotide variant.
Coding change: c.590-1G>A on transcript NM_000785.4 (MANE Select); the canonical splice acceptor site of the intron before coding-DNA position 590, G replaced by A.
Molecular consequence: splice acceptor variant.
Genome position (GRCh38, 1-based): chr12:57,765,212, C>T on the plus strand (G>A on the coding strand, the complement: CYP27B1 is on the minus strand). VCF-style: chr12-57765212-C-T. GRCh37 (hg19) VCF-style: chr12-58158995-C-T.
Identifiers: ClinVar variation 2843936 (VCV002843936.4), dbSNP rs1238404973, ClinGen allele CA385505657.

ClinVar aggregate classification (germline): Likely pathogenic. Review status: criteria provided, multiple submitters, no conflicts (2 of 4 stars). 2 submissions from 2 submitters: Likely pathogenic (2). Last evaluated 2025-12-30.

Conditions:
Vitamin D-dependent rickets, type 1A. Also called: PDDR IA; PSEUDOVITAMIN D-DEFICIENCY RICKETS, TYPE IA; VITAMIN D HYDROXYLATION-DEFICIENT RICKETS, TYPE 1A. Identifiers: MedGen CN283242, MONDO:0020723, OMIM 264700.

Submissions (2):

Labcorp Genetics (formerly Invitae), Labcorp
Classification: Likely pathogenic. Last evaluated: 2025-12-30. Review status: criteria provided, single submitter. Criteria: Invitae Variant Classification Sherloc (09022015). Collection method: clinical testing. Allele origin: germline.
Comment: This sequence change affects an acceptor splice site in intron 3 of the CYP27B1 gene. It is expected to disrupt RNA splicing. Variants that disrupt the donor or acceptor splice site typically lead to a loss of protein function (PMID: 16199547), and loss-of-function variants in CYP27B1 are known to be pathogenic (PMID: 9837822, 17488797). This variant is not present in population databases (gnomAD no frequency). This variant has not been reported in the literature in individuals affected with CYP27B1-related conditions. ClinVar contains an entry for this variant (Variation ID: 2843936). Algorithms developed to predict the effect of sequence changes on RNA splicing suggest that this variant may disrupt the consensus splice site. In summary, the currently available evidence indicates that the variant is pathogenic, but additional data are needed to prove that conclusively. Therefore, this variant has been classified as Likely Pathogenic.

Fulgent Genetics
Classification: Likely pathogenic for Vitamin D-dependent rickets, type 1A. Last evaluated: 2024-06-18. Review status: criteria provided, single submitter. Criteria: ACMG Guidelines, 2015. Collection method: clinical testing. Allele origin: germline.

Literature cited by the submitters: PubMed 16199547 (cited by Labcorp Genetics (formerly Invitae), Labcorp); PubMed 9837822 (cited by Labcorp Genetics (formerly Invitae), Labcorp); PubMed 17488797 (cited by Labcorp Genetics (formerly Invitae), Labcorp).